The following is an entry in ClinVar:

NM_001082486.2(ACD):c.-27T>A

Gene: ACD (ACD shelterin complex subunit and telomerase recruitment factor; minus strand). Cytogenetic location: 16q22.1.
Variant type: single nucleotide variant.
Coding change: c.-27T>A on transcript NM_001082486.2 (MANE Select); 27 bases upstream of the start codon, T replaced by A.
Molecular consequence: 5 prime UTR variant.
Genome position (GRCh38, 1-based): chr16:67,660,247, A>T on the plus strand (T>A on the coding strand, the complement: ACD is on the minus strand). VCF-style: chr16-67660247-A-T. GRCh37 (hg19) VCF-style: chr16-67694150-A-T.
Other names: c.-27T>A (NM_001410884.1, NM_022914.3).
Identifiers: ClinVar variation 1789710 (VCV001789710.2), dbSNP rs2052979762, ClinGen allele CA396359320.

ClinVar aggregate classification (germline): Uncertain significance (1 of 4 stars; one submission).

Conditions:
Inborn genetic diseases. Identifiers: MedGen C0950123, MeSH D030342.

Allele frequency attached by ClinVar (database versions not stated): gnomAD exomes below 0.00001.

Submission:

Ambry Genetics
Classification: Uncertain significance for Inborn genetic diseases. Last evaluated: 2022-04-26. Review status: criteria provided, single submitter. Criteria: Ambry Variant Classification Scheme 2023. Collection method: clinical testing. Allele origin: germline.
Comment: The p.L78M variant (also known as c.232T>A), located in coding exon 1 of the ACD gene, results from a T to A substitution at nucleotide position 232. The leucine at codon 78 is replaced by methionine, an amino acid with highly similar properties. This amino acid position is conserved. In addition, this alteration is predicted to be tolerated by in silico analysis. Since supporting evidence is limited at this time, the clinical significance of this alteration remains unclear.